The following is an entry in ClinVar:

ClinVar aggregate classification (germline): Conflicting classifications of pathogenicity. Review status: criteria provided, conflicting classifications (1 of 4 stars). 2 submissions from 1 submitter: Pathogenic (1); Uncertain significance (1). Last evaluated 2020-08-03.

Conditions:
Intellectual disability. Also called: intellectual disabilities; Intellectual developmental disorder; Intellectual functioning disability. Identifiers: MedGen C3714756, MeSH D008607, MONDO:0001071, HP:0001249.
Coffin-Siris syndrome 8. Identifiers: MedGen C5193054, MONDO:0032702, OMIM 618362.

Submissions (2):

Institute of Human Genetics, University of Leipzig Medical Center
Classification: Pathogenic for Intellectual disability. Last evaluated: 2020-08-03. Review status: criteria provided, single submitter. Criteria: ACMG Guidelines, 2015. Collection method: clinical testing. Allele origin: maternal. Affected: yes.

Institute of Human Genetics, University of Leipzig Medical Center
Classification: Uncertain significance for Coffin-Siris syndrome 8. Last evaluated: 2019-01-01. Review status: criteria provided, single submitter. Criteria: ACMG Guidelines, 2015. Collection method: clinical testing. Allele origin: unknown. Affected: yes.

NM_001330288.2(SMARCC2):c.172C>T (p.Gln58Ter)

Gene: SMARCC2 (SWI/SNF related BAF chromatin remodeling complex subunit C2; minus strand). Cytogenetic location: 12q13.2.
Variant type: single nucleotide variant.
Coding change: c.172C>T on transcript NM_001330288.2 (MANE Select); coding-DNA position 172, C replaced by T.
Protein change: p.Gln58Ter; replaces glutamine 58 with a stop codon.
Molecular consequence: nonsense.
Genome position (GRCh38, 1-based): chr12:56,187,246, G>A on the plus strand (C>T on the coding strand, the complement: SMARCC2 is on the minus strand). VCF-style: chr12-56187246-G-A. GRCh37 (hg19) VCF-style: chr12-56581030-G-A.
Other names: c.172C>T, p.Gln58Ter (NM_001130420.3, NM_003075.5, NM_139067.4); short protein forms Q58*.
Identifiers: ClinVar variation 977614 (VCV000977614.2), dbSNP rs1877432240, ClinGen allele CA385267457.